The following is an entry in ClinVar:

ClinVar aggregate classification (germline): Benign. Review status: criteria provided, single submitter (1 of 4 stars). 2 submissions from 2 submitters: Benign (1). 1 of the submissions does not count toward it. Last evaluated 2018-12-26.

Conditions:
CTNND2-related disorder. Also called: CTNND2-related condition.

Submissions (2):

GeneDx
Classification: Benign. Last evaluated: 2018-12-26. Review status: criteria provided, single submitter. Criteria: GeneDx Variant Classification Process June 2021. Collection method: clinical testing. Allele origin: germline. Affected: yes.

PreventionGenetics, part of Exact Sciences
Classification: Benign for CTNND2-related condition. Last evaluated: 2022-04-06. Review status: no assertion criteria provided. Collection method: clinical testing. Allele origin: germline. Not counted in ClinVar's aggregate classification.
Comment: This variant is classified as benign based on ACMG/AMP sequence variant interpretation guidelines (Richards et al. 2015 PMID: 25741868, with internal and published modifications).

NM_001332.4(CTNND2):c.735CGC[7] (p.Ala251dup)

Gene: CTNND2 (catenin delta 2; minus strand). Cytogenetic location: 5p15.2.
Variant type: Microsatellite.
Coding change: c.735CGC[7] on transcript NM_001332.4 (MANE Select); seven copies in a row of the 3-base unit CGC starting at c.735; the reference has six copies in a row; one copy, 3 bases duplicated.
Protein change: p.Ala251dup; duplicates alanine 251.
Molecular consequence: inframe insertion. On other transcripts: intron variant (3).
Genome position (GRCh38, 1-based): chr5:11,385,090-11,385,092, GCG duplicated on the plus strand (CGC on the coding strand, the reverse complement: CTNND2 is on the minus strand); duplicating any 3 consecutive bases within chr5:11,385,090-11,385,108 gives the same sequence; the position shown is the placement nearest the transcript's 3' end. VCF-style (leftmost placement, unchanged base first): chr5-11385089-C-CGCG. GRCh37 (hg19) VCF-style: chr5-11385201-C-CGCG.
Other names: c.462CGC[7], p.Ala160dup (NM_001288715.1); c.-123+11924CGC[7] (NM_001288717.2); c.167-20217CGC[7] (NM_001364128.2, NM_001288716.1); c.750_752dupCGC (NM_001332.3).
Identifiers: ClinVar variation 1260458 (VCV001260458.4), dbSNP rs578098885, ClinGen allele CA3201026.